The following is an entry in ClinVar:

NM_147686.4(TRAF3IP2):c.1201C>T (p.Arg401Trp)

Genes: TRAF3IP2 (TRAF3 interacting protein 2; minus strand), TRAF3IP2-AS1 (TRAF3IP2 antisense RNA 1; plus strand). Cytogenetic location: 6q21.
Variant type: single nucleotide variant.
Coding change: c.1201C>T on transcript NM_147686.4 (MANE Select); coding-DNA position 1201, C replaced by T.
Protein change: p.Arg401Trp; replaces arginine 401 with tryptophan.
Molecular consequence: missense variant.
Genome position (GRCh38, 1-based): chr6:111,575,643, G>A on the plus strand (C>T on the coding strand, the complement: TRAF3IP2 is on the minus strand). VCF-style: chr6-111575643-G-A. GRCh37 (hg19) VCF-style: chr6-111896846-G-A.
Other names: c.1201C>T, p.Arg401Trp (NM_001164281.3); c.1228C>T, p.Arg410Trp (NM_147200.3); short protein forms R401W, R410W.
Identifiers: ClinVar variation 1520347 (VCV001520347.3), dbSNP rs767596361, ClinGen allele CA365362425.
Genomic context (GRCh38, chr6:111,575,643, plus strand): 5'-GTCTCAAAAAAAAAAAAAAAAAAAAAGAGGAAGGAGAGAACAATGTTGCAAACAACTTAC[G>A]CAATTCTTCTGGCAAATTGCTTGTTTTTAGAGTTCCTCTGGCTGGAGGGTTGCTAGGGGG-3'
Protein context (NP_679211.2, residues 391-411): LKTSNLPEEL[Arg401Trp]KVFITYSMDT

ClinVar aggregate classification (germline): Uncertain significance (1 of 4 stars; one submission).

Conditions:
Candidiasis, familial, 8 (CANDF8). Identifiers: Orphanet 1334, MedGen C3714992, MONDO:0014230, OMIM 615527.

gnomAD v4.1: 3 of 1,605,466 alleles (0.00019%); highest among the groups gnomAD compares: Non-Finnish European, 0.00017%; no homozygotes.

Submission:

Labcorp Genetics (formerly Invitae), Labcorp
Classification: Uncertain significance for Candidiasis, familial, 8. Last evaluated: 2021-09-19. Review status: criteria provided, single submitter. Criteria: Invitae Variant Classification Sherloc (09022015). Collection method: clinical testing. Allele origin: germline.
Comment: This sequence change replaces arginine with tryptophan at codon 401 of the TRAF3IP2 protein (p.Arg401Trp). The arginine residue is highly conserved and there is a moderate physicochemical difference between arginine and tryptophan. This variant is not present in population databases (ExAC no frequency). This variant has not been reported in the literature in individuals affected with TRAF3IP2-related conditions. Algorithms developed to predict the effect of missense changes on protein structure and function (SIFT, PolyPhen-2, Align-GVGD) all suggest that this variant is likely to be disruptive. Algorithms developed to predict the effect of sequence changes on RNA splicing suggest that this variant may disrupt the consensus splice site. In summary, the available evidence is currently insufficient to determine the role of this variant in disease. Therefore, it has been classified as a Variant of Uncertain Significance.